The following is an entry in ClinVar:

NM_000143.4(FH):c.499G>T (p.Gly167Cys)

Gene: FH (fumarate hydratase; minus strand). Cytogenetic location: 1q43.
Variant type: single nucleotide variant.
Coding change: c.499G>T on transcript NM_000143.4 (MANE Select); coding-DNA position 499, G replaced by T.
Protein change: p.Gly167Cys; replaces glycine 167 with cysteine.
Molecular consequence: missense variant.
Genome position (GRCh38, 1-based): chr1:241,512,023, C>A on the plus strand (G>T on the coding strand, the complement: FH is on the minus strand). VCF-style: chr1-241512023-C-A. GRCh37 (hg19) VCF-style: chr1-241675323-C-A.
Other names: short protein forms G167C.
Identifiers: ClinVar variation 1707787 (VCV001707787.6), dbSNP rs2527332565, ClinGen allele CA345439965.

ClinVar aggregate classification (germline): Uncertain significance. Review status: criteria provided, multiple submitters, no conflicts (2 of 4 stars). 2 submissions from 2 submitters: Uncertain significance (2). Last evaluated 2026-03-05.

Conditions:
Hereditary cancer-predisposing syndrome. Also called: Tumor predisposition; Hereditary Cancer Syndrome; Hereditary neoplastic syndrome; Neoplastic Syndromes, Hereditary. Identifiers: Orphanet 140162, MedGen C0027672, MeSH D009386, MONDO:0015356.

Submissions (2):

Ambry Genetics
Classification: Uncertain significance for Hereditary cancer-predisposing syndrome. Last evaluated: 2026-03-05. Review status: criteria provided, single submitter. Criteria: Ambry Variant Classification Scheme 2023. Collection method: clinical testing. Allele origin: germline.
Comment: The p.G167C variant (also known as c.499G>T), located in coding exon 4 of the FH gene, results from a G to T substitution at nucleotide position 499. The glycine at codon 167 is replaced by cysteine, an amino acid with highly dissimilar properties. This amino acid position is highly conserved in available vertebrate species. In addition, this alteration is predicted to be deleterious by in silico analysis. Based on the available evidence, the clinical significance of this variant remains unclear.

GeneDx
Classification: Uncertain significance. Last evaluated: 2022-04-02. Review status: criteria provided, single submitter. Criteria: GeneDx Variant Classification Process June 2021. Collection method: clinical testing. Allele origin: germline. Affected: yes.
Comment: Not observed at significant frequency in large population cohorts (gnomAD); In silico analysis supports that this missense variant has a deleterious effect on protein structure/function; Has not been previously published as pathogenic or benign to our knowledge